The following is an entry in ClinVar:

NM_001079872.2(CUL4B):c.1634T>C (p.Ile545Thr)

Gene: CUL4B (cullin 4B; minus strand). Cytogenetic location: Xq24.
Variant type: single nucleotide variant.
Coding change: c.1634T>C on transcript NM_001079872.2 (MANE Select); coding-DNA position 1634, T replaced by C.
Protein change: p.Ile545Thr; replaces isoleucine 545 with threonine.
Molecular consequence: missense variant.
Genome position (GRCh38, 1-based): chrX:120,540,372, A>G on the plus strand (T>C on the coding strand, the complement: CUL4B is on the minus strand). VCF-style: chrX-120540372-A-G. GRCh37 (hg19) VCF-style: chrX-119674227-A-G.
Other names: c.1649T>C, p.Ile550Thr (NM_001330624.2); c.1100T>C, p.Ile367Thr (NM_001369145.1); c.1688T>C, p.Ile563Thr (NM_003588.4); short protein forms I367T, I563T, I545T, I550T.
Identifiers: ClinVar variation 4999754 (VCV004999754.1).

ClinVar aggregate classification (germline): Uncertain significance (1 of 4 stars; one submission).

Conditions:
CUL4B-related disorder. Also called: CUL4B-related condition.

Submission:

PreventionGenetics, part of Exact Sciences
Classification: Uncertain significance for CUL4B-related condition. Last evaluated: 2025-04-04. Review status: criteria provided, single submitter. Criteria: ACMG Guidelines, 2015. Collection method: clinical testing. Allele origin: germline.
Comment: The CUL4B c.1688T>C variant is predicted to result in the amino acid substitution p.Ile563Thr. To our knowledge, this variant has not been reported in the literature or in a large population database (gnomAD), indicating this variant is rare. At this time, the clinical significance of this variant is uncertain due to the absence of conclusive functional and genetic evidence.